The following is an entry in ClinVar:

ClinVar aggregate classification (germline): Uncertain significance (1 of 4 stars; one submission).

Conditions:
Primary ciliary dyskinesia. Also called: Ciliary dyskinesia. Identifiers: Orphanet 244, MedGen C0008780, MONDO:0016575, HP:0012265.

Allele frequency attached by ClinVar (database versions not stated): gnomAD 0.00005; TOPMed 0.00005; ESP Exome Variant Server 0.00008.
gnomAD v4.1: 104 of 1,614,038 alleles (0.0064%); highest among the groups gnomAD compares: Middle Eastern, 0.066%; no homozygotes.

Submission:

Labcorp Genetics (formerly Invitae), Labcorp
Classification: Uncertain significance for Primary ciliary dyskinesia. Last evaluated: 2025-10-11. Review status: criteria provided, single submitter. Criteria: Invitae Variant Classification Sherloc (09022015). Collection method: clinical testing. Allele origin: germline.
Comment: This sequence change replaces glutamic acid, which is acidic and polar, with lysine, which is basic and polar, at codon 92 of the CCDC40 protein (p.Glu92Lys). This variant is present in population databases (rs376842482, gnomAD 0.03%). This variant has not been reported in the literature in individuals affected with CCDC40-related conditions. ClinVar contains an entry for this variant (Variation ID: 2182656). An algorithm developed to predict the effect of missense changes on protein structure and function outputs the following: PolyPhen-2: "Benign". The lysine amino acid residue is found in multiple mammalian species, which suggests that this missense change does not adversely affect protein function. In summary, the available evidence is currently insufficient to determine the role of this variant in disease. Therefore, it has been classified as a Variant of Uncertain Significance.

NM_017950.4(CCDC40):c.274G>A (p.Glu92Lys)

Gene: CCDC40 (coiled-coil domain 40 molecular ruler complex subunit; plus strand). Cytogenetic location: 17q25.3.
Variant type: single nucleotide variant.
Coding change: c.274G>A on transcript NM_017950.4 (MANE Select); coding-DNA position 274, G replaced by A.
Protein change: p.Glu92Lys; replaces glutamic acid 92 with lysine.
Molecular consequence: missense variant.
Genome position (GRCh38, 1-based): chr17:80,039,992, G>A. VCF-style: chr17-80039992-G-A. GRCh37 (hg19) VCF-style: chr17-78013791-G-A.
Other names: c.274G>A, p.Glu92Lys (NM_001243342.2, NM_001330508.2); short protein forms E92K.
Identifiers: ClinVar variation 2182656 (VCV002182656.3), dbSNP rs376842482, ClinGen allele CA8813406.